The following is an entry in ClinVar:

ClinVar aggregate classification (germline): Conflicting classifications of pathogenicity. Review status: criteria provided, conflicting classifications (1 of 4 stars). 2 submissions from 2 submitters: Uncertain significance (1); Likely benign (1). Last evaluated 2023-03-23.

Conditions:
Hereditary cancer-predisposing syndrome. Also called: Neoplastic Syndromes, Hereditary; Tumor predisposition; Hereditary Cancer Syndrome; Hereditary neoplastic syndrome. Identifiers: Orphanet 140162, MedGen C0027672, MeSH D009386, MONDO:0015356.

Submissions (2):

University of Washington Department of Laboratory Medicine, University of Washington
Classification: Likely benign for Hereditary cancer-predisposing syndrome. Last evaluated: 2023-03-23. Review status: criteria provided, single submitter. Criteria: Dines et al. (Genet Med. 2020). Collection method: curation. Allele origin: germline.
Comment: Missense variant in a coldspot region where missense variants are very unlikely to be pathogenic (PMID:31911673).

BRCA2 exon 11 coldspot. Reclassification based on statistical prior probability.

Color Diagnostics, LLC DBA Color Health
Classification: Uncertain significance for Hereditary cancer-predisposing syndrome. Last evaluated: 2019-05-30. Review status: criteria provided, single submitter. Criteria: ACMG Guidelines, 2015. Collection method: clinical testing. Allele origin: germline.

NM_000059.4(BRCA2):c.3445A>T (p.Met1149Leu)

Gene: BRCA2 (BRCA2 DNA repair associated; plus strand). Cytogenetic location: 13q13.1.
Variant type: single nucleotide variant.
Coding change: c.3445A>T on transcript NM_000059.4 (MANE Select); coding-DNA position 3445, A replaced by T.
Protein change: p.Met1149Leu; replaces methionine 1149 with leucine.
Molecular consequence: missense variant.
Genome position (GRCh38, 1-based): chr13:32,337,800, A>T. VCF-style: chr13-32337800-A-T. GRCh37 (hg19) VCF-style: chr13-32911937-A-T.
Other names: short protein forms M1149L.
Identifiers: ClinVar variation 918816 (VCV000918816.4), dbSNP rs80358589, ClinGen allele CA387776653.